The following is an entry in ClinVar:

NM_001379291.1(BRD4):c.738A>C (p.Pro246=)

Gene: BRD4 (bromodomain containing 4; minus strand). Cytogenetic location: 19p13.12.
Variant type: single nucleotide variant.
Coding change: c.738A>C on transcript NM_001379291.1 (MANE Select); coding-DNA position 738, A replaced by C.
Protein change: p.Pro246=; no amino-acid change (proline 246 retained).
Molecular consequence: synonymous variant.
Genome position (GRCh38, 1-based): chr19:15,265,465, T>G on the plus strand (A>C on the coding strand, the complement: BRD4 is on the minus strand). VCF-style: chr19-15265465-T-G. GRCh37 (hg19) VCF-style: chr19-15376276-T-G.
Other names: c.738A>C, p.Pro246= (NM_001330384.2, NM_001379292.1, NM_014299.3 and 1 more transcripts).
Identifiers: ClinVar variation 2672749 (VCV002672749.23), dbSNP rs2145603425, ClinGen allele CA505809121.

ClinVar aggregate classification (germline): Likely benign (1 of 4 stars; one submission).

Submission:

CeGaT Center for Human Genetics Tuebingen
Classification: Likely benign. Last evaluated: 2024-11-01. Review status: criteria provided, single submitter. Criteria: CeGaT Center For Human Genetics Tuebingen Variant Classification Criteria Version 2. Collection method: clinical testing. Allele origin: germline. Affected: yes. Observed: 3 variant alleles.
Comment: BRD4: PM2:Supporting, BP4, BP7